The following is an entry in ClinVar:

NM_004999.4(MYO6):c.*4114T>A

Gene: MYO6 (myosin VI; plus strand). Cytogenetic location: 6q14.1.
Variant type: single nucleotide variant.
Coding change: c.*4114T>A on transcript NM_004999.4 (MANE Select); 4114 bases downstream of the stop codon, T replaced by A.
Molecular consequence: 3 prime UTR variant. On other transcripts: non-coding transcript variant (1).
Genome position (GRCh38, 1-based): chr6:75,919,126, T>A. VCF-style: chr6-75919126-T-A. GRCh37 (hg19) VCF-style: chr6-76628843-T-A.
Other names: c.*4114T>A (NM_001300899.2, NM_001368136.1, NM_001368137.1 and 3 more transcripts).
Identifiers: ClinVar variation 358056 (VCV000358056.8), dbSNP rs7766661, ClinGen allele CA10622731.

ClinVar aggregate classification (germline): Benign. Review status: criteria provided, multiple submitters, no conflicts (2 of 4 stars). 3 submissions from 2 submitters: Benign (3). Last evaluated 2021-05-13.

Conditions:
Autosomal recessive nonsyndromic hearing loss 37. Identifiers: Orphanet 90636, MedGen C1843028, MONDO:0011912, OMIM 607821.
Autosomal dominant nonsyndromic hearing loss 22. Also called: Autosomal dominant nonsyndromic deafness 22; DFNA 22. Identifiers: Orphanet 228012, MedGen C2931767, MONDO:0011660, OMIM 606346.

Allele frequency attached by ClinVar (database versions not stated): gnomAD exomes 0.66379; TOPMed 0.71384; gnomAD 0.71424 and 0.72177; 1000 Genomes Project 0.77716.
gnomAD v4.1: 109,499 of 151,570 alleles (72%); highest among the groups gnomAD compares: East Asian, 95%; 39,868 homozygotes.

Submissions (3):

GeneDx
Classification: Benign. Last evaluated: 2021-05-13. Review status: criteria provided, single submitter. Criteria: GeneDx Variant Classification Process June 2021. Collection method: clinical testing. Allele origin: germline. Affected: yes.

Illumina Laboratory Services, Illumina
Classification: Benign for Autosomal recessive nonsyndromic hearing loss 37. Last evaluated: 2018-01-12. Review status: criteria provided, single submitter. Criteria: ICSL Variant Classification Criteria 13 December 2019. Collection method: clinical testing. Allele origin: germline.
Comment: This variant was observed in the ICSL laboratory as part of a predisposition screen in an ostensibly healthy population. It had not been previously curated by ICSL or reported in the Human Gene Mutation Database (HGMD: prior to June 1st, 2018), and was therefore a candidate for classification through an automated scoring system. Utilizing variant allele frequency, disease prevalence and penetrance estimates, and inheritance mode, an automated score was calculated to assess if this variant is too frequent to cause the disease. Based on the score and internal cut-off values, a variant classified as benign is not then subjected to further curation. The score for this variant resulted in a classification of benign for this disease.

Illumina Laboratory Services, Illumina
Classification: Benign for Autosomal dominant nonsyndromic hearing loss 22. Last evaluated: 2018-01-12. Review status: criteria provided, single submitter. Criteria: ICSL Variant Classification Criteria 13 December 2019. Collection method: clinical testing. Allele origin: germline.
Comment: the same text as in the submission from Illumina Laboratory Services, Illumina above.